The following is an entry in ClinVar:

NM_002816.5(PSMD12):c.1051_1052insTCTACAGAGGAAGGT (p.Arg350_Trp351insPheTyrArgGlyArg)

Gene: PSMD12 (proteasome 26S subunit, non-ATPase 12; minus strand). Cytogenetic location: 17q24.2.
Variant type: Insertion.
Coding change: c.1051_1052insTCTACAGAGGAAGGT on transcript NM_002816.5 (MANE Select); coding-DNA positions 1051 to 1052, TCTACAGAGGAAGGT inserted.
Protein change: p.Arg350_Trp351insPheTyrArgGlyArg.
Molecular consequence: inframe insertion.
Genome position: GRCh38 VCF-style: chr17-67344637-C-CACCTTCCTCTGTAGA. GRCh37 (hg19) VCF-style: chr17-65340753-C-CACCTTCCTCTGTAGA.
Other names: c.874_875insTCTACAGAGGAAGGT, p.Arg291_Trp292insPheTyrArgGlyArg (NM_001316341.2); c.991_992insTCTACAGAGGAAGGT, p.Arg330_Trp331insPheTyrArgGlyArg (NM_174871.4).
Identifiers: ClinVar variation 5037222 (VCV005037222.1).

ClinVar aggregate classification (germline): Uncertain significance (1 of 4 stars; one submission).

Submission:

GeneDx
Classification: Uncertain significance. Last evaluated: 2026-04-16. Review status: criteria provided, single submitter. Criteria: GeneDx Variant Classification Process June 2021. Collection method: clinical testing. Allele origin: germline.
Comment: Not observed at significant frequency in large population cohorts (gnomAD); In-frame insertion of 5 amino acid(s) in a non-repeat region; Has not been previously published as pathogenic or benign to our knowledge